The following is an entry in ClinVar:

NM_002834.5(PTPN11):c.1772G>A (p.Ser591Asn)

Gene: PTPN11 (protein tyrosine phosphatase non-receptor type 11; plus strand). Cytogenetic location: 12q24.13.
Variant type: single nucleotide variant.
Coding change: c.1772G>A on transcript NM_002834.5 (MANE Select); coding-DNA position 1772, G replaced by A.
Protein change: p.Ser591Asn; replaces serine 591 with asparagine.
Molecular consequence: missense variant.
Genome position (GRCh38, 1-based): chr12:112,504,754, G>A. VCF-style: chr12-112504754-G-A. GRCh37 (hg19) VCF-style: chr12-112942558-G-A.
Other names: c.1784G>A, p.Ser595Asn (NM_001330437.2); c.1769G>A, p.Ser590Asn (NM_001374625.1); short protein forms S590N, S595N, S591N.
Identifiers: ClinVar variation 3940433 (VCV003940433.1).

ClinVar aggregate classification (germline): Uncertain significance (1 of 4 stars; one submission).

Conditions:
Cardiovascular phenotype. Identifiers: MedGen CN230736.

Submission:

Ambry Genetics
Classification: Uncertain significance for Cardiovascular phenotype. Last evaluated: 2025-05-31. Review status: criteria provided, single submitter. Criteria: Ambry Variant Classification Scheme 2023. Collection method: clinical testing. Allele origin: germline.
Comment: The p.S591N variant (also known as c.1772G>A), located in coding exon 15 of the PTPN11 gene, results from a G to A substitution at nucleotide position 1772. The serine at codon 591 is replaced by asparagine, an amino acid with highly similar properties. This amino acid position is conserved. In addition, this alteration is predicted to be tolerated by in silico analysis. Based on the available evidence, the clinical significance of this variant remains unclear.